The following is an entry in ClinVar:

NM_000814.6(GABRB3):c.673T>G (p.Phe225Val)

Gene: GABRB3 (gamma-aminobutyric acid type A receptor subunit beta3; minus strand). Cytogenetic location: 15q12.
Variant type: single nucleotide variant.
Coding change: c.673T>G on transcript NM_000814.6 (MANE Select); coding-DNA position 673, T replaced by G.
Protein change: p.Phe225Val; replaces phenylalanine 225 with valine.
Molecular consequence: missense variant.
Genome position (GRCh38, 1-based): chr15:26,580,328, A>C on the plus strand (T>G on the coding strand, the complement: GABRB3 is on the minus strand). VCF-style: chr15-26580328-A-C. GRCh37 (hg19) VCF-style: chr15-26825475-A-C.
Other names: c.418T>G, p.Phe140Val (NM_001191320.2, NM_001278631.2); c.460T>G, p.Phe154Val (NM_001191321.3); c.673T>G, p.Phe225Val (NM_021912.5); short protein forms F154V, F225V, F140V.
Identifiers: ClinVar variation 1492540 (VCV001492540.6), dbSNP rs2140730279, ClinGen allele CA391463904.
Genomic context (GRCh38, chr15:26,580,328, plus strand): 5'-GCCCATGGAGCCAGTGCCCCTGAAGGGACTATAAGTGGATGCAGGACTCACCTGTGGCGA[A>C]GACAACATTCCTCGAGACCAGACGGTGCTCCACGATGGAGAACTGCGGGAGCTCAATCCT-3'
Protein context (NP_000805.1, residues 215-235): EHRLVSRNVV[Phe225Val]ATGAYPRLSL

ClinVar aggregate classification (germline): Uncertain significance (1 of 4 stars; one submission).

Conditions:
Epilepsy, childhood absence, susceptibility to, 1. Also called: Epilepsy, childhood absence 1. Identifiers: Orphanet 64280, MedGen C1838604, MONDO:0020759, OMIM 600131.
Epilepsy, childhood absence, susceptibility to, 5. Identifiers: Orphanet 64280, MedGen C2677087, MONDO:0012843, OMIM 612269.

Submission:

Labcorp Genetics (formerly Invitae), Labcorp
Classification: Uncertain significance for Epilepsy, childhood absence, susceptibility to, 5; Epilepsy, childhood absence, susceptibility to, 1. Last evaluated: 2022-06-03. Review status: criteria provided, single submitter. Criteria: Invitae Variant Classification Sherloc (09022015). Collection method: clinical testing. Allele origin: germline.
Comment: Advanced modeling of protein sequence and biophysical properties (such as structural, functional, and spatial information, amino acid conservation, physicochemical variation, residue mobility, and thermodynamic stability) performed at Invitae indicates that this missense variant is expected to disrupt GABRB3 protein function. In summary, the available evidence is currently insufficient to determine the role of this variant in disease. Therefore, it has been classified as a Variant of Uncertain Significance. This sequence change replaces phenylalanine, which is neutral and non-polar, with valine, which is neutral and non-polar, at codon 225 of the GABRB3 protein (p.Phe225Val). This variant is not present in population databases (gnomAD no frequency). This variant has not been reported in the literature in individuals affected with GABRB3-related conditions. ClinVar contains an entry for this variant (Variation ID: 1492540).